The following is an entry in ClinVar:

NM_006231.4(POLE):c.3611G>A (p.Ser1204Asn)

Gene: POLE (DNA polymerase epsilon, catalytic subunit; minus strand). Cytogenetic location: 12q24.33.
Variant type: single nucleotide variant.
Coding change: c.3611G>A on transcript NM_006231.4 (MANE Select); coding-DNA position 3611, G replaced by A.
Protein change: p.Ser1204Asn; replaces serine 1204 with asparagine.
Molecular consequence: missense variant.
Genome position (GRCh38, 1-based): chr12:132,649,861, C>T on the plus strand (G>A on the coding strand, the complement: POLE is on the minus strand). VCF-style: chr12-132649861-C-T. GRCh37 (hg19) VCF-style: chr12-133226447-C-T.
Other names: short protein forms S1204N.
Identifiers: ClinVar variation 473609 (VCV000473609.13), dbSNP rs1555224124, ClinGen allele CA387386989.

ClinVar aggregate classification (germline): Conflicting classifications of pathogenicity. Review status: criteria provided, conflicting classifications (1 of 4 stars). 3 submissions from 3 submitters: Uncertain significance (2); Likely benign (1). Last evaluated 2025-09-22.

Conditions:
Hereditary cancer-predisposing syndrome. Also called: Neoplastic Syndromes, Hereditary; Tumor predisposition; Hereditary Cancer Syndrome; Hereditary neoplastic syndrome. Identifiers: Orphanet 140162, MedGen C0027672, MeSH D009386, MONDO:0015356.

Submissions (3):

Labcorp Genetics (formerly Invitae), Labcorp
Classification: Uncertain significance. Last evaluated: 2025-09-22. Review status: criteria provided, single submitter. Criteria: Invitae Variant Classification Sherloc (09022015). Collection method: clinical testing. Allele origin: germline.
Comment: This sequence change replaces serine, which is neutral and polar, with asparagine, which is neutral and polar, at codon 1204 of the POLE protein (p.Ser1204Asn). This variant is not present in population databases (gnomAD no frequency). This variant has not been reported in the literature in individuals affected with POLE-related conditions. ClinVar contains an entry for this variant (Variation ID: 473609). Invitae Evidence Modeling of protein sequence and biophysical properties (such as structural, functional, and spatial information, amino acid conservation, physicochemical variation, residue mobility, and thermodynamic stability) indicates that this missense variant is not expected to disrupt POLE protein function with a negative predictive value of 80%. In summary, the available evidence is currently insufficient to determine the role of this variant in disease. Therefore, it has been classified as a Variant of Uncertain Significance.

Ambry Genetics
Classification: Likely benign for Hereditary cancer-predisposing syndrome. Last evaluated: 2024-03-28. Review status: criteria provided, single submitter. Criteria: Ambry Variant Classification Scheme 2023. Collection method: clinical testing. Allele origin: germline.

GeneDx
Classification: Uncertain significance. Last evaluated: 2023-09-26. Review status: criteria provided, single submitter. Criteria: GeneDx Variant Classification Process June 2021. Collection method: clinical testing. Allele origin: germline. Affected: yes.
Comment: Not observed at significant frequency in large population cohorts (gnomAD); In silico analysis supports that this missense variant does not alter protein structure/function; Has not been previously published as pathogenic or benign to our knowledge